The following is an entry in ClinVar:

ClinVar aggregate classification (germline): Uncertain significance. Review status: criteria provided, multiple submitters, no conflicts (2 of 4 stars). 4 submissions from 4 submitters: Uncertain significance (4). Last evaluated 2025-10-09.

Conditions:
Long QT syndrome (LQTS). Identifiers: MedGen C0023976, MeSH D008133, MONDO:0002442. Disease mechanism: loss of function. Inheritance: Various modes of inheritance.
Long QT syndrome 11 (LQT11). Identifiers: Orphanet 101016, Orphanet 768, MedGen C2678483, MONDO:0012738, OMIM 611820.
Cardiovascular phenotype. Identifiers: MedGen CN230736.

Allele frequency attached by ClinVar (database versions not stated): ExAC 0.00001; gnomAD 0.00001; TOPMed 0.00001; gnomAD exomes 0.00002 and 0.00003.
gnomAD v4.1: 36 of 1,614,006 alleles (0.0022%); highest among the groups gnomAD compares: Non-Finnish European, 0.0031%; no homozygotes.

Submissions (4):

Labcorp Genetics (formerly Invitae), Labcorp
Classification: Uncertain significance for Long QT syndrome. Last evaluated: 2025-10-09. Review status: criteria provided, single submitter. Criteria: Invitae Variant Classification Sherloc (09022015). Collection method: clinical testing. Allele origin: germline.
Comment: This sequence change replaces asparagine, which is neutral and polar, with histidine, which is basic and polar, at codon 3592 of the AKAP9 protein (p.Asn3592His). This variant is present in population databases (rs751653287, gnomAD 0.006%). This variant has not been reported in the literature in individuals affected with AKAP9-related conditions. ClinVar contains an entry for this variant (Variation ID: 810127). An algorithm developed to predict the effect of missense changes on protein structure and function (PolyPhen-2) suggests that this variant is likely to be disruptive. In summary, the available evidence is currently insufficient to determine the role of this variant in disease. Therefore, it has been classified as a Variant of Uncertain Significance.

Ambry Genetics
Classification: Uncertain significance for Cardiovascular phenotype. Last evaluated: 2024-09-11. Review status: criteria provided, single submitter. Criteria: Ambry Variant Classification Scheme 2023. Collection method: clinical testing. Allele origin: germline.
Comment: The p.N3592H variant (also known as c.10774A>C), located in coding exon 44 of the AKAP9 gene, results from an A to C substitution at nucleotide position 10774. The asparagine at codon 3592 is replaced by histidine, an amino acid with similar properties. This amino acid position is conserved. In addition, this alteration is predicted to be tolerated by in silico analysis. Since supporting evidence is limited at this time, the clinical significance of this alteration remains unclear.

Fulgent Genetics
Classification: Uncertain significance for Long QT syndrome 11. Last evaluated: 2021-08-11. Review status: criteria provided, single submitter. Criteria: ACMG Guidelines, 2015. Collection method: clinical testing. Allele origin: unknown.

CeGaT Center for Human Genetics Tuebingen
Classification: Uncertain significance. Last evaluated: 2019-03-01. Review status: criteria provided, single submitter. Criteria: CeGaT Center For Human Genetics Tuebingen Variant Classification Criteria Version 2. Collection method: clinical testing. Allele origin: germline. Affected: yes. Observed: 1 variant allele.

NM_005751.5(AKAP9):c.10774A>C (p.Asn3592His)

Gene: AKAP9 (A-kinase anchoring protein 9; plus strand). Cytogenetic location: 7q21.2.
Variant type: single nucleotide variant.
Coding change: c.10774A>C on transcript NM_005751.5 (MANE Select); coding-DNA position 10774, A replaced by C.
Protein change: p.Asn3592His; replaces asparagine 3592 with histidine.
Molecular consequence: missense variant.
Genome position (GRCh38, 1-based): chr7:92,099,747, A>C. VCF-style: chr7-92099747-A-C. GRCh37 (hg19) VCF-style: chr7-91729061-A-C.
Other names: c.5419A>C, p.Asn1807His (NM_001379277.1); c.10750A>C, p.Asn3584His (NM_147185.3); short protein forms N3584H, N3592H, N1807H.
Identifiers: ClinVar variation 810127 (VCV000810127.51), dbSNP rs751653287, ClinGen allele CA4338025.